The following is an entry in ClinVar:

NM_014334.4(FRRS1L):c.312G>A (p.Lys104=)

Gene: FRRS1L (ferric chelate reductase 1 like; minus strand). Cytogenetic location: 9q31.3.
Variant type: single nucleotide variant.
Coding change: c.312G>A on transcript NM_014334.4 (MANE Select); coding-DNA position 312, G replaced by A.
Protein change: p.Lys104=; no amino-acid change (lysine 104 retained).
Molecular consequence: synonymous variant.
Genome position (GRCh38, 1-based): chr9:109,149,647, C>T on the plus strand (G>A on the coding strand, the complement: FRRS1L is on the minus strand). VCF-style: chr9-109149647-C-T. GRCh37 (hg19) VCF-style: chr9-111911927-C-T.
Other names: c.465G>A (NM_014334.3).
Identifiers: ClinVar variation 476303 (VCV000476303.52), dbSNP rs138531590, ClinGen allele CA5177461.
Genomic context (GRCh38, chr9:109,149,647, plus strand): 5'-AGTAAATCAGTCTTAGCCTTAAAGTTATCCAACCTGCAGTTCCACCAACCTAAAGCATCC[C>T]TTAGTTTTTCCACAGTCGTCCACTTTGATTTTGGCAAATGGATCCACAGGAGGAGCAGTA-3'
Protein context (NP_055149.3, residues 94-114): KIKVDDCGKT[Lys104=]GCFRYGKPGC

ClinVar aggregate classification (germline): Benign/Likely benign. Review status: criteria provided, multiple submitters, no conflicts (2 of 4 stars). 5 submissions from 5 submitters: Benign (1); Likely benign (4). Last evaluated 2025-12-30.

Conditions:
FRRS1L-related disorder. Also called: FRRS1L-related condition.
Developmental and epileptic encephalopathy, 37 (DEE37). Also called: Epileptic encephalopathy, early infantile, 37. Identifiers: MedGen C4310770, MONDO:0014859, OMIM 616981.

Allele frequency attached by ClinVar (database versions not stated): ESP Exome Variant Server 0.00023; 1000 Genomes Project 30x 0.00031; 1000 Genomes Project 0.00040; gnomAD 0.00045 and 0.00050; gnomAD exomes 0.00055 and 0.00070; ExAC 0.00059; TOPMed 0.00060.
gnomAD v4.1: 1,090 of 1,611,392 alleles (0.068%); highest among the groups gnomAD compares: South Asian, 0.13%; 1 homozygote.

Submissions (5):

Labcorp Genetics (formerly Invitae), Labcorp
Classification: Benign for Developmental and epileptic encephalopathy, 37. Last evaluated: 2025-12-30. Review status: criteria provided, single submitter. Criteria: Invitae Variant Classification Sherloc (09022015). Collection method: clinical testing. Allele origin: germline.

PreventionGenetics, part of Exact Sciences
Classification: Likely benign for FRRS1L-related condition. Last evaluated: 2025-10-03. Review status: criteria provided, single submitter. Criteria: ACMG Guidelines, 2015. Collection method: clinical testing. Allele origin: germline.
Comment: This variant is classified as likely benign based on ACMG/AMP sequence variant interpretation guidelines (Richards et al. 2015 PMID: 25741868, with internal and published modifications).

Blueprint Genetics
Classification: Likely benign. Last evaluated: 2024-10-16. Review status: criteria provided, single submitter. Criteria: ACMG Guidelines, 2015. Collection method: clinical testing. Allele origin: germline.

CeGaT Center for Human Genetics Tuebingen
Classification: Likely benign. Last evaluated: 2023-07-01. Review status: criteria provided, single submitter. Criteria: CeGaT Center For Human Genetics Tuebingen Variant Classification Criteria Version 2. Collection method: clinical testing. Allele origin: germline. Affected: yes. Observed: 2 variant alleles.
Comment: FRRS1L: BP4, BP7

GeneDx
Classification: Likely benign. Last evaluated: 2020-12-17. Review status: criteria provided, single submitter. Criteria: GeneDx Variant Classification Process June 2021. Collection method: clinical testing. Allele origin: germline. Affected: yes.